The following is an entry in ClinVar:

NM_000218.3(KCNQ1):c.1034G>A (p.Gly345Glu)

Gene: KCNQ1 (potassium voltage-gated channel subfamily Q member 1; plus strand). Cytogenetic location: 11p15.5.
Variant type: single nucleotide variant.
Coding change: c.1034G>A on transcript NM_000218.3 (MANE Select); coding-DNA position 1034, G replaced by A.
Protein change: p.Gly345Glu; replaces glycine 345 with glutamic acid.
Molecular consequence: missense variant.
Genome position (GRCh38, 1-based): chr11:2,585,213, G>A. VCF-style: chr11-2585213-G-A. GRCh37 (hg19) VCF-style: chr11-2606443-G-A.
Other names: c.764G>A, p.Gly255Glu (NM_001406837.1); c.653G>A, p.Gly218Glu (NM_181798.2); c.1034G>A (LRG_287t1); short protein forms G345E, G218E, G255E.
Identifiers: ClinVar variation 3122 (VCV000003122.10), dbSNP rs120074183, ClinGen allele CA005061.

ClinVar aggregate classification (germline): Pathogenic/Likely pathogenic. Review status: criteria provided, multiple submitters, no conflicts (2 of 4 stars). 5 submissions from 5 submitters: Pathogenic (2); Likely pathogenic (1). 2 of the submissions do not count toward it. Last evaluated 2026-01-13.

Conditions:
Familial long QT syndrome (RWS). Also called: Romano-Ward syndrome; VENTRICULAR FIBRILLATION WITH PROLONGED QT INTERVAL; Congenital long QT syndrome. Identifiers: Orphanet 768, MedGen C1141890, MONDO:0019171.
Cardiac arrhythmia. Also called: Cardiac rhythm disease; Arrhythmia. Identifiers: MedGen C0003811, MONDO:0007263, HP:0011675.
Long QT syndrome (LQTS). Identifiers: MedGen C0023976, MeSH D008133, MONDO:0002442. Disease mechanism: loss of function. Inheritance: Various modes of inheritance.
Long QT syndrome 1 (LQT1). Identifiers: Orphanet 101016, Orphanet 768, MedGen C4551647, MONDO:0100316, OMIM 192500, MONDO:0008646.

Allele frequency attached by ClinVar (database versions not stated): gnomAD 0.00001.
gnomAD v4.1: 3 of 1,613,830 alleles (0.00019%); highest among the groups gnomAD compares: Admixed American, 0.0017%; no homozygotes.

Submissions (5):

Labcorp Genetics (formerly Invitae), Labcorp
Classification: Pathogenic for Long QT syndrome. Last evaluated: 2026-01-13. Review status: criteria provided, single submitter. Criteria: Invitae Variant Classification Sherloc (09022015). Collection method: clinical testing. Allele origin: germline.
Comment: This sequence change replaces glycine, which is neutral and non-polar, with glutamic acid, which is acidic and polar, at codon 345 of the KCNQ1 protein (p.Gly345Glu). This variant is not present in population databases (gnomAD no frequency). This missense change has been observed in individual(s) with long QT syndrome (PMID: 8528244). It has also been observed to segregate with disease in related individuals. This variant is also known as G216E. ClinVar contains an entry for this variant (Variation ID: 3122). Invitae Evidence Modeling of protein sequence and biophysical properties (such as structural, functional, and spatial information, amino acid conservation, physicochemical variation, residue mobility, and thermodynamic stability) indicates that this missense variant is expected to disrupt KCNQ1 protein function with a positive predictive value of 95%. Experimental studies have shown that this missense change affects KCNQ1 function (PMID: 10376919). For these reasons, this variant has been classified as Pathogenic.

GeneDx
Classification: Pathogenic. Last evaluated: 2024-09-17. Review status: criteria provided, single submitter. Criteria: GeneDx Variant Classification Process June 2021. Collection method: clinical testing. Allele origin: germline. Affected: yes.
Comment: Not observed at significant frequency in large population cohorts (gnomAD); Published functional studies demonstrate a damaging effect through dominant-negative suppression of potassium channel current (PMID: 10376919); In silico analysis supports that this missense variant has a deleterious effect on protein structure/function; This variant is associated with the following publications: (PMID: 31589614, 10376919, 15840476, 8528244)

Color Diagnostics, LLC DBA Color Health
Classification: Likely pathogenic for Cardiac arrhythmia. Last evaluated: 2024-05-16. Review status: criteria provided, single submitter. Criteria: ACMG Guidelines, 2015. Collection method: clinical testing. Allele origin: germline.
Comment: This missense variant replaces glycine with glutamic acid at codon 345 of the KCNQ1 protein. This variant is found within the highly conserved transmembrane domain S6 (a.a. 328-348). Rare non-truncating variants in this region have been shown to be significantly overrepresented in individuals with long QT syndrome (PMID: 32893267). Functional studies have shown that this variant causes a reduction of potassium channel current when expressed in xenopus oocytes (PMID: 10376919) and results in prolonged action potential duration in edited cardiomyocytes derived from induced human pluripotent stem cells (PMID: 25082577). This variant has been reported to segregate with long QT syndrome in at least 11 related carriers from a family (PMID: 8528244, 10376919). This variant has also been reported in another individual suspected of having long QT syndrome (PMID: 15840476). This variant has not been identified in the general population by the Genome Aggregation Database (gnomAD). A different missense variant occurring at the same codon, p.Gly345Arg, is known to be disease-causing (Clinvar variation ID 200837), indicating that glycine at this position is a clinically important residue. Based on the available evidence, this variant is classified as Likely Pathogenic.

OMIM
Classification: Pathogenic for LONG QT SYNDROME 1. Last evaluated: 1996-01-01. Review status: no assertion criteria provided. Collection method: literature only. Allele origin: germline. Not counted in ClinVar's aggregate classification.

Cardiovascular Biomedical Research Unit, Royal Brompton & Harefield NHS Foundation Trust
No classification provided. Condition: Familial long QT syndrome. Review status: no classification provided. Collection method: literature only. Allele origin: germline. Not counted in ClinVar's aggregate classification.
Comment: This variant has been reported as associated with Long QT syndrome in the following publications (PMID:8528244;PMID:10376919;PMID:15840476). This is a literature report, and does not necessarily reflect the clinical interpretation of the Imperial College / Royal Brompton Cardiovascular Genetics laboratory.

Literature cited by the submitters: PubMed 8528244 (cited by 4 submitters); PubMed 10376919 (cited by 3 submitters); PubMed 15840476 (cited by Color Diagnostics, LLC DBA Color Health and Cardiovascular Biomedical Research Unit, Royal Brompton & Harefield NHS Foundation Trust); PubMed 25082577 (cited by Color Diagnostics, LLC DBA Color Health); PubMed 32893267 (cited by Color Diagnostics, LLC DBA Color Health); PubMed 22581653 (cited by Cardiovascular Biomedical Research Unit, Royal Brompton & Harefield NHS Foundation Trust).